The following is an entry in ClinVar:

NM_005027.4(PIK3R2):c.481G>A (p.Asp161Asn)

Gene: PIK3R2 (phosphoinositide-3-kinase regulatory subunit 2; plus strand). Cytogenetic location: 19p13.11.
Variant type: single nucleotide variant.
Coding change: c.481G>A on transcript NM_005027.4 (MANE Select); coding-DNA position 481, G replaced by A.
Protein change: p.Asp161Asn; replaces aspartic acid 161 with asparagine.
Molecular consequence: missense variant. On other transcripts: non-coding transcript variant (2).
Genome position (GRCh38, 1-based): chr19:18,161,068, G>A. VCF-style: chr19-18161068-G-A. GRCh37 (hg19) VCF-style: chr19-18271878-G-A.
Other names: c.481G>A (NM_005027.2); short protein forms D161N.
Identifiers: ClinVar variation 852490 (VCV000852490.10), dbSNP rs1208639269, ClinGen allele CA404804887.
Genomic context (GRCh38, chr19:18,161,068, plus strand): 5'-GGCCCCAGTACACATGAGTTGGACGTGTGCCCCCCTGCACCCGCAGACTGGTCCCTGAGC[G>A]ACGTGGATCAGTGGGACACGGCAGCCCTGGCTGACGGCATTAAGAGCTTCCTGCTGGCAC-3'
Protein context (NP_005018.2, residues 151-171): PAPRTDWSLS[Asp161Asn]VDQWDTAALA

ClinVar aggregate classification (germline): Uncertain significance. Review status: criteria provided, multiple submitters, no conflicts (2 of 4 stars). 2 submissions from 2 submitters: Uncertain significance (2). Last evaluated 2024-12-05.

Conditions:
Megalencephaly-polymicrogyria-postaxial polydactyly-hydrocephalus syndrome. Also called: MEG-PMG-MEGACC SYNDROME; MPPH Syndrome. Identifiers: Orphanet 83473, MedGen C1863924, MONDO:0019375.
Inborn genetic diseases. Identifiers: MedGen C0950123, MeSH D030342.

Allele frequency attached by ClinVar (database versions not stated): TOPMed 0.00003; gnomAD 0.00005 and 0.00006.
gnomAD v4.1: 11 of 1,610,866 alleles (0.00068%); highest among the groups gnomAD compares: African/African-American, 0.011%; no homozygotes.

Submissions (2):

Ambry Genetics
Classification: Uncertain significance for Inborn genetic diseases. Last evaluated: 2024-12-05. Review status: criteria provided, single submitter. Criteria: Ambry Variant Classification Scheme 2023. Collection method: clinical testing. Allele origin: germline.

Labcorp Genetics (formerly Invitae), Labcorp
Classification: Uncertain significance for Megalencephaly-polymicrogyria-postaxial polydactyly-hydrocephalus syndrome. Last evaluated: 2023-07-07. Review status: criteria provided, single submitter. Criteria: Invitae Variant Classification Sherloc (09022015). Collection method: clinical testing. Allele origin: germline.
Comment: This variant has not been reported in the literature in individuals affected with PIK3R2-related conditions. In summary, the available evidence is currently insufficient to determine the role of this variant in disease. Therefore, it has been classified as a Variant of Uncertain Significance. Advanced modeling of protein sequence and biophysical properties (such as structural, functional, and spatial information, amino acid conservation, physicochemical variation, residue mobility, and thermodynamic stability) performed at Invitae indicates that this missense variant is expected to disrupt PIK3R2 protein function. ClinVar contains an entry for this variant (Variation ID: 852490). This variant is present in population databases (no rsID available, gnomAD 0.02%). This sequence change replaces aspartic acid, which is acidic and polar, with asparagine, which is neutral and polar, at codon 161 of the PIK3R2 protein (p.Asp161Asn).